The following is an entry in ClinVar:

ClinVar aggregate classification (germline): Likely benign. Review status: criteria provided, multiple submitters, no conflicts (2 of 4 stars). 2 submissions from 2 submitters: Likely benign (2). Last evaluated 2025-07-30.

Conditions:
Spastic ataxia 2. Also called: Ataxia, spastic, 2, autosomal recessive. Identifiers: Orphanet 397946, MedGen C1969796, MONDO:0012651, OMIM 611302.

Allele frequency attached by ClinVar (database versions not stated): gnomAD exomes 0.00008 and 0.00010; TOPMed 0.00007; gnomAD 0.00009 and 0.00008; 1000 Genomes Project 0.00020; ExAC 0.00010; 1000 Genomes Project 30x 0.00031.
gnomAD v4.1: 159 of 1,614,014 alleles (0.0099%); highest among the groups gnomAD compares: Non-Finnish European, 0.012%; no homozygotes.

Submissions (2):

Labcorp Genetics (formerly Invitae), Labcorp
Classification: Likely benign for Spastic ataxia 2. Last evaluated: 2025-07-30. Review status: criteria provided, single submitter. Criteria: Invitae Variant Classification Sherloc (09022015). Collection method: clinical testing. Allele origin: germline.

Mayo Clinic Laboratories, Mayo Clinic
Classification: Likely benign. Last evaluated: 2025-04-21. Review status: criteria provided, single submitter. Criteria: ACMG Guidelines, 2015. Collection method: clinical testing. Allele origin: germline. Observed: 1 variant allele.
Comment: BP4, BP7

NM_006612.6(KIF1C):c.2676G>A (p.Pro892=)

Gene: KIF1C (kinesin family member 1C; plus strand). Cytogenetic location: 17p13.2.
Variant type: single nucleotide variant.
Coding change: c.2676G>A on transcript NM_006612.6 (MANE Select); coding-DNA position 2676, G replaced by A.
Protein change: p.Pro892=; no amino-acid change (proline 892 retained).
Molecular consequence: synonymous variant.
Genome position (GRCh38, 1-based): chr17:5,023,515, G>A. VCF-style: chr17-5023515-G-A. GRCh37 (hg19) VCF-style: chr17-4926810-G-A.
Other names: p.Pro892=.
Identifiers: ClinVar variation 536737 (VCV000536737.13), dbSNP rs200822779, ClinGen allele CA8319360.